The following is an entry in ClinVar:

NM_032119.4(ADGRV1):c.5612T>C (p.Leu1871Pro)

Gene: ADGRV1 (adhesion G protein-coupled receptor V1; plus strand). Cytogenetic location: 5q14.3.
Variant type: single nucleotide variant.
Coding change: c.5612T>C on transcript NM_032119.4 (MANE Select); coding-DNA position 5612, T replaced by C.
Protein change: p.Leu1871Pro; replaces leucine 1871 with proline.
Molecular consequence: missense variant. On other transcripts: non-coding transcript variant (1).
Genome position (GRCh38, 1-based): chr5:90,681,402, T>C. VCF-style: chr5-90681402-T-C. GRCh37 (hg19) VCF-style: chr5-89977219-T-C.
Other names: short protein forms L1871P.
Identifiers: ClinVar variation 1956557 (VCV001956557.2), dbSNP rs1049843658, ClinGen allele CA122800693.

ClinVar aggregate classification (germline): Uncertain significance (1 of 4 stars; one submission).

Allele frequency attached by ClinVar (database versions not stated): gnomAD exomes 0.00001; gnomAD 0.00002; TOPMed 0.00004.
gnomAD v4.1: 15 of 1,613,772 alleles (0.00093%); highest among the groups gnomAD compares: African/African-American, 0.019%; no homozygotes.

Submission:

Labcorp Genetics (formerly Invitae), Labcorp
Classification: Uncertain significance. Last evaluated: 2022-08-16. Review status: criteria provided, single submitter. Criteria: Invitae Variant Classification Sherloc (09022015). Collection method: clinical testing. Allele origin: germline.
Comment: This sequence change replaces leucine, which is neutral and non-polar, with proline, which is neutral and non-polar, at codon 1871 of the ADGRV1 protein (p.Leu1871Pro). This variant is present in population databases (no rsID available, gnomAD 0.003%). This variant has not been reported in the literature in individuals affected with ADGRV1-related conditions. Algorithms developed to predict the effect of missense changes on protein structure and function are either unavailable or do not agree on the potential impact of this missense change (SIFT: "Deleterious"; PolyPhen-2: "Probably Damaging"; Align-GVGD: "Class C0"). In summary, the available evidence is currently insufficient to determine the role of this variant in disease. Therefore, it has been classified as a Variant of Uncertain Significance.